The following is an entry in ClinVar:

ClinVar aggregate classification (germline): Uncertain significance (1 of 4 stars; one submission).

Conditions:
Bethlem myopathy 1A. Also called: MYOPATHY, BENIGN CONGENITAL, WITH CONTRACTURES; Bethlem Muscular Dystrophy; Bethlem myopathy 1. Identifiers: Orphanet 610, MedGen CN029274, MONDO:0024530, OMIM 158810.

Allele frequency attached by ClinVar (database versions not stated): gnomAD 0.00001; gnomAD exomes 0.00001.
gnomAD v4.1: 21 of 1,612,192 alleles (0.0013%); highest among the groups gnomAD compares: Non-Finnish European, 0.0017%; no homozygotes.

Submission:

Labcorp Genetics (formerly Invitae), Labcorp
Classification: Uncertain significance for Bethlem myopathy 1A. Last evaluated: 2022-08-23. Review status: criteria provided, single submitter. Criteria: Invitae Variant Classification Sherloc (09022015). Collection method: clinical testing. Allele origin: germline.
Comment: This sequence change replaces aspartic acid, which is acidic and polar, with histidine, which is basic and polar, at codon 1436 of the COL6A3 protein (p.Asp1436His). In summary, the available evidence is currently insufficient to determine the role of this variant in disease. Therefore, it has been classified as a Variant of Uncertain Significance. Algorithms developed to predict the effect of missense changes on protein structure and function are either unavailable or do not agree on the potential impact of this missense change (SIFT: "Deleterious"; PolyPhen-2: "Probably Damaging"; Align-GVGD: "Class C0"). ClinVar contains an entry for this variant (Variation ID: 542972). This variant has not been reported in the literature in individuals affected with COL6A3-related conditions. This variant is not present in population databases (gnomAD no frequency).

NM_004369.4(COL6A3):c.4306G>C (p.Asp1436His)

Gene: COL6A3 (collagen type VI alpha 3 chain; minus strand). Cytogenetic location: 2q37.3.
Variant type: single nucleotide variant.
Coding change: c.4306G>C on transcript NM_004369.4 (MANE Select); coding-DNA position 4306, G replaced by C.
Protein change: p.Asp1436His; replaces aspartic acid 1436 with histidine.
Molecular consequence: missense variant.
Genome position (GRCh38, 1-based): chr2:237,369,157, C>G on the plus strand (G>C on the coding strand, the complement: COL6A3 is on the minus strand). VCF-style: chr2-237369157-C-G. GRCh37 (hg19) VCF-style: chr2-238277800-C-G.
Other names: c.2485G>C, p.Asp829His (NM_057166.5); c.3688G>C, p.Asp1230His (NM_057167.4); short protein forms D1436H, D1230H, D829H.
Identifiers: ClinVar variation 542972 (VCV000542972.7), dbSNP rs1168273415, ClinGen allele CA351193812.
Genomic context (GRCh38, chr2:237,369,157, plus strand): 5'-GAATATGTGCAAAGCCATCTGGCCTAACTCCCTCAGAGCTGTCGATCAGAAAGACAATGT[C>G]TGCAGCATCACTCTCAACTGCTGCAGATCAAAGAAGAAAAAGGGAAACATTCAGTGTGTA-3'
Protein context (NP_004360.2, residues 1426-1446): PPPAVESDAA[Asp1436His]IVFLIDSSEG